The following is an entry in ClinVar:

ClinVar aggregate classification (germline): Likely benign. Review status: criteria provided, multiple submitters, no conflicts (2 of 4 stars). 5 submissions from 5 submitters: Likely benign (4). 1 of the submissions does not count toward it. Last evaluated 2026-01-27.

Conditions:
Cardiovascular phenotype. Identifiers: MedGen CN230736.
ALPK3-related disorder. Also called: ALPK3-related condition.

Allele frequency attached by ClinVar (database versions not stated): ExAC 0.00014; TOPMed 0.00015; 1000 Genomes Project 0.00020; 1000 Genomes Project 30x 0.00031; ESP Exome Variant Server 0.00031.
gnomAD v4.1: 238 of 1,614,022 alleles (0.015%); highest among the groups gnomAD compares: South Asian, 0.025%; no homozygotes.

Submissions (5):

Labcorp Genetics (formerly Invitae), Labcorp
Classification: Likely benign. Last evaluated: 2026-01-27. Review status: criteria provided, single submitter. Criteria: Invitae Variant Classification Sherloc (09022015). Collection method: clinical testing. Allele origin: germline.

Molecular Diagnostic Laboratory for Inherited Cardiovascular Disease, Montreal Heart Institute
Classification: Likely benign. Last evaluated: 2025-04-09. Review status: criteria provided, single submitter. Criteria: ACMG Guidelines, 2015. Collection method: clinical testing. Allele origin: germline. Affected: no.

Blueprint Genetics
Classification: Likely benign. Last evaluated: 2024-10-21. Review status: criteria provided, single submitter. Criteria: ACMG Guidelines, 2015. Collection method: clinical testing. Allele origin: germline.

Ambry Genetics
Classification: Likely benign for Cardiovascular phenotype. Last evaluated: 2019-03-02. Review status: criteria provided, single submitter. Criteria: Ambry Variant Classification Scheme 2023. Collection method: clinical testing. Allele origin: germline.

PreventionGenetics, part of Exact Sciences
Classification: Likely benign for ALPK3-related condition. Last evaluated: 2020-09-03. Review status: no assertion criteria provided. Collection method: clinical testing. Allele origin: germline. Not counted in ClinVar's aggregate classification.
Comment: This variant is classified as likely benign based on ACMG/AMP sequence variant interpretation guidelines (Richards et al. 2015 PMID: 25741868, with internal and published modifications).

NM_020778.5(ALPK3):c.2130G>A (p.Thr710=)

Gene: ALPK3 (alpha kinase 3; plus strand). Cytogenetic location: 15q25.3.
Variant type: single nucleotide variant.
Coding change: c.2130G>A on transcript NM_020778.5 (MANE Select); coding-DNA position 2130, G replaced by A.
Protein change: p.Thr710=; no amino-acid change (threonine 710 retained).
Molecular consequence: synonymous variant.
Genome position (GRCh38, 1-based): chr15:84,856,868, G>A. VCF-style: chr15-84856868-G-A. GRCh37 (hg19) VCF-style: chr15-85400099-G-A.
Identifiers: ClinVar variation 1542301 (VCV001542301.14), dbSNP rs147611382, ClinGen allele CA7709343.